The following is an entry in ClinVar:

ClinVar aggregate classification (germline): Uncertain significance (1 of 4 stars; one submission).

Conditions:
Inborn genetic diseases. Identifiers: MedGen C0950123, MeSH D030342.

gnomAD v4.1: 1 of 1,614,112 alleles (0.000062%); highest among the groups gnomAD compares: Middle Eastern, 0.016%; no homozygotes.

Submission:

Ambry Genetics
Classification: Uncertain significance for Inborn genetic diseases. Last evaluated: 2026-04-21. Review status: criteria provided, single submitter. Criteria: Ambry Variant Classification Scheme 2023. Collection method: clinical testing. Allele origin: germline.
Comment: The c.2914A>C (p.T972P) alteration is located in exon 5 (coding exon 4) of the NSD1 gene. This alteration results from a A to C substitution at nucleotide position 2914, causing the threonine (T) at amino acid position 972 to be replaced by a proline (P). Based on data from gnomAD, the C allele has an overall frequency of 0.003% (1/31368) total alleles studied. The highest observed frequency was 0.007% (1/15410) of European (non-Finnish) alleles. Based on insufficient or conflicting evidence, the clinical significance of this alteration remains unclear.

NM_022455.5(NSD1):c.2914A>C (p.Thr972Pro)

Gene: NSD1 (nuclear receptor binding SET domain protein 1; plus strand). Cytogenetic location: 5q35.3.
Variant type: single nucleotide variant.
Coding change: c.2914A>C on transcript NM_022455.5 (MANE Select); coding-DNA position 2914, A replaced by C.
Protein change: p.Thr972Pro; replaces threonine 972 with proline.
Molecular consequence: missense variant.
Genome position (GRCh38, 1-based): chr5:177,211,313, A>C. VCF-style: chr5-177211313-A-C. GRCh37 (hg19) VCF-style: chr5-176638314-A-C.
Other names: c.2041A>C, p.Thr681Pro (NM_001365684.2, NM_001409306.1, NM_001409307.1 and 3 more transcripts); c.2914A>C, p.Thr972Pro (NM_001409301.1, NM_001409302.1, NM_001409303.1); c.2494A>C, p.Thr832Pro (NM_001409304.1); c.2161A>C, p.Thr721Pro (NM_001409305.1); short protein forms T681P, T721P, T832P, T972P.
Identifiers: ClinVar variation 4861206 (VCV004861206.1).
Genomic context (GRCh38, chr5:177,211,313, plus strand): 5'-GTCTCTAAGGTTTTGGTTTCAGGAGGCTCCACACACAATTCAGAGAAAAAGGGAGATGGC[A>C]CTCAGAACTCCGCCAATCCTAGCCCTAGTGGGGGTGACTCTGCATTATCTGGCGAGTTGT-3'
Protein context (NP_071900.2, residues 962-982): THNSEKKGDG[Thr972Pro]QNSANPSPSG